The following is an entry in ClinVar:

ClinVar aggregate classification (germline): Uncertain significance. Review status: criteria provided, multiple submitters, no conflicts (2 of 4 stars). 2 submissions from 2 submitters: Uncertain significance (2). Last evaluated 2025-06-21.

Conditions:
Multiple endocrine neoplasia type 4. Also called: MULTIPLE ENDOCRINE NEOPLASIA, TYPE IV. Identifiers: Orphanet 276152, MedGen C1970712, MONDO:0012552, OMIM 610755.
Hereditary cancer-predisposing syndrome. Also called: Neoplastic Syndromes, Hereditary; Hereditary Cancer Syndrome; Hereditary neoplastic syndrome; Tumor predisposition. Identifiers: Orphanet 140162, MedGen C0027672, MeSH D009386, MONDO:0015356.

Submissions (2):

Ambry Genetics
Classification: Uncertain significance for Hereditary cancer-predisposing syndrome. Last evaluated: 2025-06-21. Review status: criteria provided, single submitter. Criteria: Ambry Variant Classification Scheme 2023. Collection method: clinical testing. Allele origin: germline.
Comment: The p.P102R variant (also known as c.305C>G), located in coding exon 1 of the CDKN1B gene, results from a C to G substitution at nucleotide position 305. The proline at codon 102 is replaced by arginine, an amino acid with dissimilar properties. This amino acid position is conserved. In addition, this alteration is predicted to be tolerated by in silico analysis. Based on the available evidence, the clinical significance of this variant remains unclear.

Labcorp Genetics (formerly Invitae), Labcorp
Classification: Uncertain significance for Multiple endocrine neoplasia type 4. Last evaluated: 2024-02-12. Review status: criteria provided, single submitter. Criteria: Invitae Variant Classification Sherloc (09022015). Collection method: clinical testing. Allele origin: germline.
Comment: This sequence change replaces proline, which is neutral and non-polar, with arginine, which is basic and polar, at codon 102 of the CDKN1B protein (p.Pro102Arg). This variant is not present in population databases (gnomAD no frequency). This variant has not been reported in the literature in individuals affected with CDKN1B-related conditions. An algorithm developed to predict the effect of missense changes on protein structure and function (PolyPhen-2) suggests that this variant is likely to be tolerated. In summary, the available evidence is currently insufficient to determine the role of this variant in disease. Therefore, it has been classified as a Variant of Uncertain Significance.

NM_004064.5(CDKN1B):c.305C>G (p.Pro102Arg)

Gene: CDKN1B (cyclin dependent kinase inhibitor 1B; plus strand). Cytogenetic location: 12p13.1.
Variant type: single nucleotide variant.
Coding change: c.305C>G on transcript NM_004064.5 (MANE Select); coding-DNA position 305, C replaced by G.
Protein change: p.Pro102Arg; replaces proline 102 with arginine.
Molecular consequence: missense variant.
Genome position (GRCh38, 1-based): chr12:12,718,144, C>G. VCF-style: chr12-12718144-C-G. GRCh37 (hg19) VCF-style: chr12-12871078-C-G.
Other names: c.305C>G (NM_004064.3); short protein forms P102R.
Identifiers: ClinVar variation 3716720 (VCV003716720.3).